The following is an entry in ClinVar:

NM_001394372.1(BICRA):c.4579G>T (p.Ala1527Ser)

Gene: BICRA (BRD4 interacting chromatin remodeling complex associated protein; plus strand). Cytogenetic location: 19q13.33.
Variant type: single nucleotide variant.
Coding change: c.4579G>T on transcript NM_001394372.1 (MANE Select); coding-DNA position 4579, G replaced by T.
Protein change: p.Ala1527Ser; replaces alanine 1527 with serine.
Molecular consequence: missense variant.
Genome position (GRCh38, 1-based): chr19:47,702,311, G>T. VCF-style: chr19-47702311-G-T. GRCh37 (hg19) VCF-style: chr19-48205568-G-T.
Other names: c.4579G>T, p.Ala1527Ser (NM_015711.3); short protein forms A1527S.
Identifiers: ClinVar variation 1707926 (VCV001707926.2), dbSNP rs1413873502, ClinGen allele CA406617566.

ClinVar aggregate classification (germline): Uncertain significance (1 of 4 stars; one submission).

Submission:

GeneDx
Classification: Uncertain significance. Last evaluated: 2022-03-31. Review status: criteria provided, single submitter. Criteria: GeneDx Variant Classification Process June 2021. Collection method: clinical testing. Allele origin: germline. Affected: yes.
Comment: Not observed at significant frequency in large population cohorts (gnomAD); In silico analysis supports that this missense variant does not alter protein structure/function; Has not been previously published as pathogenic or benign to our knowledge